The following is an entry in ClinVar:

ClinVar aggregate classification (germline): Uncertain significance (1 of 4 stars; one submission).

Conditions:
IFT74-related disorder. Also called: IFT74-related condition; IFT74-Related Disorders.

gnomAD v4.1: 9 of 1,566,358 alleles (0.00057%); highest among the groups gnomAD compares: African/African-American, 0.011%; no homozygotes.

Submission:

PreventionGenetics, part of Exact Sciences
Classification: Uncertain significance for IFT74-related condition. Last evaluated: 2026-03-18. Review status: criteria provided, single submitter. Criteria: ACMG Guidelines, 2015. Collection method: clinical testing. Allele origin: germline.
Comment: The IFT74 c.1062G>A variant is predicted to result in the amino acid substitution p.Met354Ile. To our knowledge, this variant has not been reported in the literature. This variant is reported in 0.013% of alleles in individuals of African descent in gnomAD. At this time, the clinical significance of this variant is uncertain due to the absence of conclusive functional and genetic evidence.

NM_025103.4(IFT74):c.1062G>A (p.Met354Ile)

Gene: IFT74 (intraflagellar transport 74; plus strand). Cytogenetic location: 9p21.2.
Variant type: single nucleotide variant.
Coding change: c.1062G>A on transcript NM_025103.4 (MANE Select); coding-DNA position 1062, G replaced by A.
Protein change: p.Met354Ile; replaces methionine 354 with isoleucine.
Molecular consequence: missense variant.
Genome position (GRCh38, 1-based): chr9:27,044,749, G>A. VCF-style: chr9-27044749-G-A. GRCh37 (hg19) VCF-style: chr9-27044747-G-A.
Other names: c.1062G>A, p.Met354Ile (NM_001099222.3, NM_001099223.3, NM_001349928.2); short protein forms M354I.
Identifiers: ClinVar variation 3351773 (VCV003351773.2).
Genomic context (GRCh38, chr9:27,044,749, plus strand): 5'-AGCCCTGTATGTGCAATTTTTGAAATTCATGTTGTATTTTATATCTCTCATAGGTGAAAT[G>A]AACCAGAAATACAAGGAGCTAAAGAAAAGGGAGGAACATATGGACAGTAAGTGATATTCT-3'
Protein context (NP_079379.2, residues 344-364): DMDLEEHQGE[Met354Ile]NQKYKELKKR